The following is an entry in ClinVar:

NM_001267550.2(TTN):c.39505C>T (p.Pro13169Ser)

Gene: TTN (titin; minus strand). Cytogenetic location: 2q31.2.
Variant type: single nucleotide variant.
Coding change: c.39505C>T on transcript NM_001267550.2 (MANE Select); coding-DNA position 39505, C replaced by T.
Protein change: p.Pro13169Ser; replaces proline 13169 with serine.
Molecular consequence: missense variant. On other transcripts: intron variant (3).
Genome position (GRCh38, 1-based): chr2:178,651,495, G>A on the plus strand (C>T on the coding strand, the complement: TTN is on the minus strand). VCF-style: chr2-178651495-G-A. GRCh37 (hg19) VCF-style: chr2-179516222-G-A.
Other names: c.34984C>T, p.Pro11662Ser (NM_001256850.1); c.32203C>T, p.Pro10735Ser (NM_133378.4); c.13283-9178C>T (NM_003319.4); c.13859-9178C>T (NM_133437.4); c.13658-9178C>T (NM_133432.3); short protein forms P10735S, P11662S, P13169S.
Identifiers: ClinVar variation 3253172 (VCV003253172.2), dbSNP rs2062950432.

ClinVar aggregate classification (germline): Uncertain significance (1 of 4 stars; one submission).

gnomAD v4.1: 4 of 1,612,898 alleles (0.00025%); highest among the groups gnomAD compares: Middle Eastern, 0.05%; 1 homozygote.

Submission:

GeneDx
Classification: Uncertain significance. Last evaluated: 2025-11-19. Review status: criteria provided, single submitter. Criteria: GeneDx Variant Classification Process June 2021. Collection method: clinical testing. Allele origin: germline.
Comment: Not observed at significant frequency in large population cohorts (gnomAD); Missense variant in a gene in which most reported pathogenic variants are truncating/loss of function; Has not been previously published as pathogenic or benign to our knowledge; This variant is associated with the following publications: (PMID: 23975875)